The following is an entry in ClinVar:

NM_052872.4(IL17F):c.347T>G (p.Ile116Ser)

Gene: IL17F (interleukin 17F; minus strand). Cytogenetic location: 6p12.2.
Variant type: single nucleotide variant.
Coding change: c.347T>G on transcript NM_052872.4 (MANE Select); coding-DNA position 347, T replaced by G.
Protein change: p.Ile116Ser; replaces isoleucine 116 with serine.
Molecular consequence: missense variant.
Genome position (GRCh38, 1-based): chr6:52,237,076, A>C on the plus strand (T>G on the coding strand, the complement: IL17F is on the minus strand). VCF-style: chr6-52237076-A-C. GRCh37 (hg19) VCF-style: chr6-52101874-A-C.
Other names: short protein forms I116S.
Identifiers: ClinVar variation 956391 (VCV000956391.9), dbSNP rs1042175463, ClinGen allele CA138968861.

ClinVar aggregate classification (germline): Uncertain significance (1 of 4 stars; one submission).

Conditions:
Candidiasis, familial, 6 (CANDF6). Also called: Candidiasis, familial, 6, autosomal dominant. Identifiers: Orphanet 1334, MedGen C3151405, MONDO:0013503, OMIM 613956.

Allele frequency attached by ClinVar (database versions not stated): gnomAD exomes below 0.00001.
gnomAD v4.1: 2 of 1,614,198 alleles (0.00012%); highest among the groups gnomAD compares: Non-Finnish European, 0.00017%; no homozygotes.

Submission:

Labcorp Genetics (formerly Invitae), Labcorp
Classification: Uncertain significance for Candidiasis, familial, 6. Last evaluated: 2023-03-23. Review status: criteria provided, single submitter. Criteria: Invitae Variant Classification Sherloc (09022015). Collection method: clinical testing. Allele origin: germline.
Comment: In summary, the available evidence is currently insufficient to determine the role of this variant in disease. Therefore, it has been classified as a Variant of Uncertain Significance. Algorithms developed to predict the effect of missense changes on protein structure and function output the following: SIFT: "Not Available"; PolyPhen-2: "Benign"; Align-GVGD: "Not Available". The serine amino acid residue is found in multiple mammalian species, which suggests that this missense change does not adversely affect protein function. ClinVar contains an entry for this variant (Variation ID: 956391). This variant has not been reported in the literature in individuals affected with IL17F-related conditions. This variant is not present in population databases (gnomAD no frequency). This sequence change replaces isoleucine, which is neutral and non-polar, with serine, which is neutral and polar, at codon 116 of the IL17F protein (p.Ile116Ser).